The following is an entry in ClinVar:

NM_007186.6(CEP250):c.4357A>G (p.Met1453Val)

Gene: CEP250 (centrosomal protein 250; plus strand). Cytogenetic location: 20q11.22.
Variant type: single nucleotide variant.
Coding change: c.4357A>G on transcript NM_007186.6 (MANE Select); coding-DNA position 4357, A replaced by G.
Protein change: p.Met1453Val; replaces methionine 1453 with valine.
Molecular consequence: missense variant.
Genome position (GRCh38, 1-based): chr20:35,502,726, A>G. VCF-style: chr20-35502726-A-G. GRCh37 (hg19) VCF-style: chr20-34090554-A-G.
Other names: c.2461A>G, p.Met821Val (NM_001318219.1); short protein forms M821V, M1453V.
Identifiers: ClinVar variation 948337 (VCV000948337.6), dbSNP rs755129565, ClinGen allele CA9833709.
Genomic context (GRCh38, chr20:35,502,726, plus strand): 5'-AGAGAAGAGGAGGTGGAGACTCTGCGGGGACAAATCCAGGAACTGGAGAAGCAACGGGAA[A>G]TGCAGAAGGCTGCTTTGGAATTGCTGTCTCTGGACCTGAAGAAGAGGAACCAAGAGGTAG-3'
Protein context (NP_009117.2, residues 1443-1463): QIQELEKQRE[Met1453Val]QKAALELLSL

ClinVar aggregate classification (germline): Uncertain significance (1 of 4 stars; one submission).

Allele frequency attached by ClinVar (database versions not stated): gnomAD exomes 0.00002 and 0.00006; TOPMed 0.00002; gnomAD 0.00003 and 0.00004; ExAC 0.00004.

Submission:

Labcorp Genetics (formerly Invitae), Labcorp
Classification: Uncertain significance. Last evaluated: 2019-08-12. Review status: criteria provided, single submitter. Criteria: Invitae Variant Classification Sherloc (09022015). Collection method: clinical testing. Allele origin: germline.
Comment: In summary, the available evidence is currently insufficient to determine the role of this variant in disease. Therefore, it has been classified as a Variant of Uncertain Significance. Algorithms developed to predict the effect of missense changes on protein structure and function are either unavailable or do not agree on the potential impact of this missense change (SIFT: "Tolerated"; PolyPhen-2: "Possibly Damaging"; Align-GVGD: "Class C0"). This variant has not been reported in the literature in individuals with CEP250-related conditions. This variant is present in population databases (rs755129565, ExAC 0.006%). This sequence change replaces methionine with valine at codon 1453 of the CEP250 protein (p.Met1453Val). The methionine residue is moderately conserved and there is a small physicochemical difference between methionine and valine.